The following is an entry in ClinVar:

ClinVar aggregate classification (germline): Uncertain significance (1 of 4 stars; one submission).

Submission:

Labcorp Genetics (formerly Invitae), Labcorp
Classification: Uncertain significance. Last evaluated: 2022-11-01. Review status: criteria provided, single submitter. Criteria: Invitae Variant Classification Sherloc (09022015). Collection method: clinical testing. Allele origin: germline.
Comment: This sequence change replaces aspartic acid, which is acidic and polar, with valine, which is neutral and non-polar, at codon 222 of the RUNX2 protein (p.Asp222Val). This variant is not present in population databases (gnomAD no frequency). This variant has not been reported in the literature in individuals affected with RUNX2-related conditions. Advanced modeling of protein sequence and biophysical properties (such as structural, functional, and spatial information, amino acid conservation, physicochemical variation, residue mobility, and thermodynamic stability) performed at Invitae indicates that this missense variant is expected to disrupt RUNX2 protein function. This variant disrupts the p.Asp222 amino acid residue in RUNX2. Other variant(s) that disrupt this residue have been determined to be pathogenic (Invitae). This suggests that this residue is clinically significant, and that variants that disrupt this residue are likely to be disease-causing. In summary, the available evidence is currently insufficient to determine the role of this variant in disease. Therefore, it has been classified as a Variant of Uncertain Significance.

NM_001024630.4(RUNX2):c.665A>T (p.Asp222Val)

Gene: RUNX2 (RUNX family transcription factor 2; plus strand). Cytogenetic location: 6p21.1.
Variant type: single nucleotide variant.
Coding change: c.665A>T on transcript NM_001024630.4 (MANE Select); coding-DNA position 665, A replaced by T.
Protein change: p.Asp222Val; replaces aspartic acid 222 with valine.
Molecular consequence: missense variant.
Genome position (GRCh38, 1-based): chr6:45,438,031, A>T. VCF-style: chr6-45438031-A-T. GRCh37 (hg19) VCF-style: chr6-45405768-A-T.
Other names: c.665A>T, p.Asp222Val (NM_001015051.4); c.623A>T, p.Asp208Val (NM_001278478.2, NM_001369405.1, NM_004348.3); short protein forms D208V, D222V.
Identifiers: ClinVar variation 2808063 (VCV002808063.3), dbSNP rs2150371921, ClinGen allele CA363955404.